The following is an entry in ClinVar:

NM_000124.4(ERCC6):c.3493A>G (p.Thr1165Ala)

Gene: ERCC6 (ERCC excision repair 6, chromatin remodeling factor; minus strand). Cytogenetic location: 10q11.23.
Variant type: single nucleotide variant.
Coding change: c.3493A>G on transcript NM_000124.4 (MANE Select); coding-DNA position 3493, A replaced by G.
Protein change: p.Thr1165Ala; replaces threonine 1165 with alanine.
Molecular consequence: missense variant.
Genome position (GRCh38, 1-based): chr10:49,470,467, T>C on the plus strand (A>G on the coding strand, the complement: ERCC6 is on the minus strand). VCF-style: chr10-49470467-T-C. GRCh37 (hg19) VCF-style: chr10-50678513-T-C.
Other names: c.3493A>G, p.Thr1165Ala (NM_001346440.2); short protein forms T1165A.
Identifiers: ClinVar variation 1946432 (VCV001946432.2), dbSNP rs764394351, ClinGen allele CA5495337.

ClinVar aggregate classification (germline): Uncertain significance (1 of 4 stars; one submission).

Allele frequency attached by ClinVar (database versions not stated): TOPMed below 0.00001; ExAC 0.00001; gnomAD exomes 0.00001.
gnomAD v4.1: 8 of 1,614,176 alleles (0.0005%); highest among the groups gnomAD compares: African/African-American, 0.0013%; no homozygotes.

Submission:

Labcorp Genetics (formerly Invitae), Labcorp
Classification: Uncertain significance. Last evaluated: 2022-04-30. Review status: criteria provided, single submitter. Criteria: Invitae Variant Classification Sherloc (09022015). Collection method: clinical testing. Allele origin: germline.
Comment: This sequence change replaces threonine, which is neutral and polar, with alanine, which is neutral and non-polar, at codon 1165 of the ERCC6 protein (p.Thr1165Ala). This variant is present in population databases (rs764394351, gnomAD 0.007%). This variant has not been reported in the literature in individuals affected with ERCC6-related conditions. Algorithms developed to predict the effect of missense changes on protein structure and function output the following: SIFT: "Tolerated"; PolyPhen-2: "Benign"; Align-GVGD: "Class C0". The alanine amino acid residue is found in multiple mammalian species, which suggests that this missense change does not adversely affect protein function. In summary, the available evidence is currently insufficient to determine the role of this variant in disease. Therefore, it has been classified as a Variant of Uncertain Significance.